The following is an entry in ClinVar:

NM_001374353.1(GLI2):c.1466C>T (p.Thr489Met)

Gene: GLI2 (GLI family zinc finger 2; plus strand). Cytogenetic location: 2q14.2.
Variant type: single nucleotide variant.
Coding change: c.1466C>T on transcript NM_001374353.1 (MANE Select); coding-DNA position 1466, C replaced by T.
Protein change: p.Thr489Met; replaces threonine 489 with methionine.
Molecular consequence: missense variant.
Genome position (GRCh38, 1-based): chr2:120,978,582, C>T. VCF-style: chr2-120978582-C-T. GRCh37 (hg19) VCF-style: chr2-121736158-C-T.
Other names: c.1517C>T (NM_005270.4); c.1517C>T, p.Thr506Met (NM_001371271.1, NM_005270.5); c.1091C>T, p.Thr364Met (NM_001374354.1); short protein forms T364M, T506M, T489M.
Identifiers: ClinVar variation 2188170 (VCV002188170.9), dbSNP rs764718032, ClinGen allele CA1851918.

ClinVar aggregate classification (germline): Uncertain significance. Review status: criteria provided, multiple submitters, no conflicts (2 of 4 stars). 3 submissions from 3 submitters: Uncertain significance (3). Last evaluated 2025-06-10.

Conditions:
Inborn genetic diseases. Identifiers: MedGen C0950123, MeSH D030342.
Postaxial polydactyly-anterior pituitary anomalies-facial dysmorphism syndrome. Also called: Culler-Jones syndrome. Identifiers: Orphanet 420584, MedGen C4014479, MONDO:0014369, OMIM 615849.
Holoprosencephaly 9 (HPE9). Also called: PITUITARY ANOMALIES WITH HOLOPROSENCEPHALY-LIKE FEATURES; HOLOPROSENCEPHALY WITH MICROPHTHALMIA AND FIRST BRANCHIAL ARCH ANOMALIES. Identifiers: Orphanet 2162, MedGen C1835819, MONDO:0012563, OMIM 610829.

Allele frequency attached by ClinVar (database versions not stated): ExAC 0.00003.
gnomAD v4.1: 42 of 1,613,268 alleles (0.0026%); highest among the groups gnomAD compares: Admixed American, 0.005%; no homozygotes.

Submissions (3):

Ambry Genetics
Classification: Uncertain significance for Inborn genetic diseases. Last evaluated: 2025-06-10. Review status: criteria provided, single submitter. Criteria: Ambry Variant Classification Scheme 2023. Collection method: clinical testing. Allele origin: germline.

Labcorp Genetics (formerly Invitae), Labcorp
Classification: Uncertain significance for Postaxial polydactyly-anterior pituitary anomalies-facial dysmorphism syndrome; Holoprosencephaly 9. Last evaluated: 2022-05-14. Review status: criteria provided, single submitter. Criteria: Invitae Variant Classification Sherloc (09022015). Collection method: clinical testing. Allele origin: germline.
Comment: This sequence change replaces threonine, which is neutral and polar, with methionine, which is neutral and non-polar, at codon 506 of the GLI2 protein (p.Thr506Met). This variant is present in population databases (rs764718032, gnomAD 0.006%). This variant has not been reported in the literature in individuals affected with GLI2-related conditions. Algorithms developed to predict the effect of missense changes on protein structure and function (SIFT, PolyPhen-2, Align-GVGD) all suggest that this variant is likely to be disruptive. In summary, the available evidence is currently insufficient to determine the role of this variant in disease. Therefore, it has been classified as a Variant of Uncertain Significance.

Revvity Omics, Revvity
Classification: Uncertain significance. Last evaluated: 2021-12-06. Review status: criteria provided, single submitter. Criteria: ACMG Guidelines, 2015. Collection method: clinical testing. Allele origin: germline.